The following is an entry in ClinVar:

ClinVar aggregate classification (germline): Pathogenic (1 of 4 stars; one submission).

Conditions:
Arginase deficiency. Also called: ARGININEMIA; ARG1 DEFICIENCY; Arginase 1 Deficiency. Identifiers: Orphanet 90, MedGen C0268548, MONDO:0008814, OMIM 207800.

Submission:

Myriad Genetics, Inc.
Classification: Pathogenic for Arginase deficiency. Last evaluated: 2025-10-03. Review status: criteria provided, single submitter. Criteria: Myriad Autosomal Dominant, Autosomal Recessive and X-Linked Classification Criteria (2023). Collection method: clinical testing. Allele origin: unknown.
Comment: NM_000045.3(ARG1):c.763_764insAT(R255Nfs*20) is a frameshift variant classified as pathogenic in the context of argininemia. R255Nfs*20 has not been observed in cases with relevant disease. Relevant functional assessments of this variant are not available in the literature. R255Nfs*20 has not been observed in referenced population frequency databases. In summary, NM_000045.3(ARG1):c.763_764insAT(R255Nfs*20) is a frameshift variant in a gene where loss of function is a known mechanism of disease and is predicted to disrupt protein function. Please note: this variant was assessed in the context of healthy population screening.

NM_000045.4(ARG1):c.763_764insAT (p.Arg255fs)

Genes: MED23 (mediator complex subunit 23; minus strand), ARG1 (arginase 1; plus strand). Cytogenetic location: 6q23.2.
Variant type: Insertion.
Coding change: c.763_764insAT on transcript NM_000045.4 (MANE Select); coding-DNA positions 763 to 764, AT inserted.
Protein change: p.Arg255fs; shifts the reading frame from arginine 255.
Molecular consequence: frameshift variant. On other transcripts: non-coding transcript variant (1), intron variant (2).
Genome position: GRCh38 VCF-style: chr6-131583452-A-AAT. GRCh37 (hg19) VCF-style: chr6-131904592-A-AAT.
Other names: c.787_788insAT, p.Arg263fs (NM_001244438.2); c.508_509insAT, p.Arg170fs (NM_001369020.1); c.4077+4256_4077+4257insAT (NM_001270521.2); c.4095+4256_4095+4257insAT (NM_015979.4); short protein forms R263fs, R170fs, R255fs.
Identifiers: ClinVar variation 5004206 (VCV005004206.1).
Genomic context (GRCh38, chr6:131,583,452, plus strand): 5'-GGACTGGACCCATCTTTCACACCAGCTACTGGCACACCAGTCGTGGGAGGTCTGACATAC[A>AAT]GAGAAGGTCTCTACATCACAGAAGAAATCTACAAAACAGGTAGTTAACAATCTGAGGTAA-3'